The following is an entry in ClinVar:

NM_004260.4(RECQL4):c.2155C>A (p.Leu719Ile)

Gene: RECQL4 (RecQ like helicase 4; minus strand). Cytogenetic location: 8q24.3.
Variant type: single nucleotide variant.
Coding change: c.2155C>A on transcript NM_004260.4 (MANE Select); coding-DNA position 2155, C replaced by A.
Protein change: p.Leu719Ile; replaces leucine 719 with isoleucine.
Molecular consequence: missense variant. On other transcripts: non-coding transcript variant (2).
Genome position (GRCh38, 1-based): chr8:144,513,616, G>T on the plus strand (C>A on the coding strand, the complement: RECQL4 is on the minus strand). VCF-style: chr8-144513616-G-T. GRCh37 (hg19) VCF-style: chr8-145739000-G-T.
Other names: c.2059C>A, p.Leu687Ile (NM_001413017.1, NM_001413020.1); c.2155C>A, p.Leu719Ile (NM_001413018.1, NM_001413019.1, NM_001413036.1); c.1084C>A, p.Leu362Ile (NM_001413021.1, NM_001413022.1, NM_001413023.1 and 6 more transcripts); c.2026C>A, p.Leu676Ile (NM_001413025.1); c.1018C>A, p.Leu340Ile (NM_001413027.1, NM_001413030.1, NM_001413032.1 and 1 more transcripts); c.1804C>A, p.Leu602Ile (NM_001413029.1); c.886C>A, p.Leu296Ile (NM_001413031.1); c.2023C>A, p.Leu675Ile (NM_001413033.1); and 4 more; short protein forms L340I, L362I, L675I, L687I, L296I, L352I, L709I, L318I.
Identifiers: ClinVar variation 3944284 (VCV003944284.1).

ClinVar aggregate classification (germline): Uncertain significance (1 of 4 stars; one submission).

Conditions:
Inborn genetic diseases. Identifiers: MedGen C0950123, MeSH D030342.

Submission:

Ambry Genetics
Classification: Uncertain significance for Inborn genetic diseases. Last evaluated: 2025-04-17. Review status: criteria provided, single submitter. Criteria: Ambry Variant Classification Scheme 2023. Collection method: clinical testing. Allele origin: germline.
Comment: The p.L719I variant (also known as c.2155C>A), located in coding exon 13 of the RECQL4 gene, results from a C to A substitution at nucleotide position 2155. The leucine at codon 719 is replaced by isoleucine, an amino acid with highly similar properties. This amino acid position is conserved. In addition, the in silico prediction for this alteration is inconclusive. Based on the available evidence, the clinical significance of this variant remains unclear.